The following is an entry in ClinVar:

NM_000312.4(PROC):c.340G>C (p.Gly114Arg)

Gene: PROC (protein C, inactivator of coagulation factors Va and VIIIa; plus strand). Cytogenetic location: 2q14.3.
Variant type: single nucleotide variant.
Coding change: c.340G>C on transcript NM_000312.4 (MANE Select); coding-DNA position 340, G replaced by C.
Protein change: p.Gly114Arg; replaces glycine 114 with arginine.
Molecular consequence: missense variant. On other transcripts: synonymous variant (1).
Genome position (GRCh38, 1-based): chr2:127,423,111, G>C. VCF-style: chr2-127423111-G-C. GRCh37 (hg19) VCF-style: chr2-128180687-G-C.
Other names: c.523G>C, p.Gly175Arg (NM_001375602.1); c.403G>C, p.Gly135Arg (NM_001375603.1, NM_001375604.1); c.340G>C, p.Gly114Arg (NM_001375605.1, NM_001375608.1, NM_001375611.1 and 1 more transcripts); c.495G>C, p.Thr165= (NM_001375606.1); c.424G>C, p.Gly142Arg (NM_001375607.1); c.316G>C, p.Gly106Arg (NM_001375609.1); c.334G>C, p.Gly112Arg (NM_001375610.1); short protein forms G114R, G106R, G112R, G135R, G142R, G175R.
Identifiers: ClinVar variation 161341 (VCV000161341.9), dbSNP rs374476971, ClinGen allele CA211730.

ClinVar aggregate classification (germline): Uncertain significance. Review status: criteria provided, multiple submitters, no conflicts (2 of 4 stars). 4 submissions from 4 submitters: Uncertain significance (2). 2 of the submissions do not count toward it. Last evaluated 2025-08-06.

Conditions:
Thrombophilia due to protein C deficiency, autosomal recessive. Also called: PROC DEFICIENCY, AUTOSOMAL RECESSIVE; PROTEIN C DEFICIENCY, AUTOSOMAL RECESSIVE. Identifiers: Orphanet 745, MedGen C2676759, MONDO:0012860, OMIM 612304.
Thrombophilia due to protein C deficiency, autosomal dominant. Also called: PROC DEFICIENCY, AUTOSOMAL DOMINANT; PROTEIN C DEFICIENCY, AUTOSOMAL DOMINANT. Identifiers: Orphanet 745, MedGen C2674321, MONDO:0008316, OMIM 176860. Disease mechanism: loss of function.
Reduced protein C activity. Identifiers: MedGen C0398625, MeSH D020151, HP:0005543.

Allele frequency attached by ClinVar (database versions not stated): gnomAD exomes 0.00002; gnomAD 0.00001; TOPMed 0.00001; ExAC 0.00003; ESP Exome Variant Server 0.00008.
gnomAD v4.1: 22 of 1,608,412 alleles (0.0014%); highest among the groups gnomAD compares: Non-Finnish European, 0.0018%; no homozygotes.

Submissions (4):

Labcorp Genetics (formerly Invitae), Labcorp
Classification: Uncertain significance for Thrombophilia due to protein C deficiency, autosomal dominant. Last evaluated: 2025-08-06. Review status: criteria provided, single submitter. Criteria: Invitae Variant Classification Sherloc (09022015). Collection method: clinical testing. Allele origin: germline.
Comment: This sequence change replaces glycine, which is neutral and non-polar, with arginine, which is basic and polar, at codon 114 of the PROC protein (p.Gly114Arg). This variant is present in population databases (rs374476971, gnomAD 0.004%). This missense change has been observed in individual(s) with protein C deficiency (PMID: 7792728). This variant is also known as p.Gly72Arg. ClinVar contains an entry for this variant (Variation ID: 161341). Invitae Evidence Modeling of protein sequence and biophysical properties (such as structural, functional, and spatial information, amino acid conservation, physicochemical variation, residue mobility, and thermodynamic stability) indicates that this missense variant is not expected to disrupt PROC protein function with a negative predictive value of 80%. In summary, the available evidence is currently insufficient to determine the role of this variant in disease. Therefore, it has been classified as a Variant of Uncertain Significance.

Fulgent Genetics
Classification: Uncertain significance for Thrombophilia due to protein C deficiency, autosomal dominant; Thrombophilia due to protein C deficiency, autosomal recessive. Last evaluated: 2021-07-07. Review status: criteria provided, single submitter. Criteria: ACMG Guidelines, 2015. Collection method: clinical testing. Allele origin: unknown.

CSER _CC_NCGL, University of Washington
Classification: Uncertain significance for Protein C deficiency. Last evaluated: 2014-06-01. Review status: no assertion criteria provided. Collection method: research. Allele origin: germline. Inheritance: Autosomal dominant inheritance. Study: ESP 6500 variant annotation. Not counted in ClinVar's aggregate classification.
Comment: Variants classified for the Actionable exomic incidental findings in 6503 participants: challenges of variant classification manuscript

ISTH-SSC Genomics in Thrombosis and Hemostasis, KU Leuven, Center for Molecular and Vascular Biology
Classification: Uncertain significance for Reduced protein C activity. Review status: no assertion criteria provided. Collection method: clinical testing. Allele origin: unknown. Affected: yes. Not counted in ClinVar's aggregate classification.
Comment: Submitted to GoldVariant by Prof Kathleen Freson from Center for Molecular and Vascular Biology, Leuven, Belgium

Literature cited by the submitters: PubMed 7792728 (cited by Labcorp Genetics (formerly Invitae), Labcorp).